The following is an entry in ClinVar:

ClinVar aggregate classification (germline): Uncertain significance. Review status: criteria provided, multiple submitters, no conflicts (2 of 4 stars). 2 submissions from 2 submitters: Uncertain significance (2). Last evaluated 2025-05-28.

Submissions (2):

Labcorp Genetics (formerly Invitae), Labcorp
Classification: Uncertain significance. Last evaluated: 2025-05-28. Review status: criteria provided, single submitter. Criteria: Invitae Variant Classification Sherloc (09022015). Collection method: clinical testing. Allele origin: germline.
Comment: This sequence change replaces glycine, which is neutral and non-polar, with aspartic acid, which is acidic and polar, at codon 513 of the SARS2 protein (p.Gly513Asp). This variant is present in population databases (no rsID available, gnomAD 0.007%). This variant has not been reported in the literature in individuals affected with SARS2-related conditions. ClinVar contains an entry for this variant (Variation ID: 3316165). An algorithm developed to predict the effect of missense changes on protein structure and function outputs the following: PolyPhen-2: "Benign". The aspartic acid amino acid residue is found in multiple mammalian species, which suggests that this missense change does not adversely affect protein function. In summary, the available evidence is currently insufficient to determine the role of this variant in disease. Therefore, it has been classified as a Variant of Uncertain Significance.

Ambry Genetics
Classification: Uncertain significance. Last evaluated: 2024-03-19. Review status: criteria provided, single submitter. Criteria: Ambry Variant Classification Scheme 2023. Collection method: clinical testing. Allele origin: germline.

NM_017827.4(SARS2):c.1538G>A (p.Gly513Asp)

Gene: SARS2 (seryl-tRNA synthetase 2, mitochondrial; minus strand). Cytogenetic location: 19q13.2.
Variant type: single nucleotide variant.
Coding change: c.1538G>A on transcript NM_017827.4 (MANE Select); coding-DNA position 1538, G replaced by A.
Protein change: p.Gly513Asp; replaces glycine 513 with aspartic acid.
Molecular consequence: missense variant.
Genome position (GRCh38, 1-based): chr19:38,915,625, C>T on the plus strand (G>A on the coding strand, the complement: SARS2 is on the minus strand). VCF-style: chr19-38915625-C-T. GRCh37 (hg19) VCF-style: chr19-39406265-C-T.
Other names: c.1544G>A, p.Gly515Asp (NM_001145901.2); short protein forms G513D, G515D.
Identifiers: ClinVar variation 3316165 (VCV003316165.2).
Genomic context (GRCh38, chr19:38,915,625, plus strand): 5'-AGGAAGCAGTGACACCCCCGAGGGCTGCTGTGGGTGGGTTCTTAGCTTACAGCAGGCTGG[C>T]CAGGCAGCCCAGGCTTCCGGGGCTGGTTGGGGCCGATGTACTGGAGAGGCACGTGGGTAG-3'
Protein context (NP_060297.1, residues 503-518): PNQPRKPGLP[Gly513Asp]QPAVS